The following is an entry in ClinVar:

ClinVar aggregate classification (germline): Uncertain significance. Review status: criteria provided, multiple submitters, no conflicts (2 of 4 stars). 2 submissions from 2 submitters: Uncertain significance (2). Last evaluated 2023-08-07.

Conditions:
Colorectal cancer, hereditary nonpolyposis, type 7. Identifiers: Orphanet 144, MedGen C1858380, MONDO:0013725, OMIM 614385.

Submissions (2):

Ambry Genetics
Classification: Uncertain significance. Last evaluated: 2023-08-07. Review status: criteria provided, single submitter. Criteria: Ambry Variant Classification Scheme 2023. Collection method: clinical testing. Allele origin: germline.
Comment: The p.L1168S variant (also known as c.3503T>C), located in coding exon 4 of the MLH3 gene, results from a T to C substitution at nucleotide position 3503. The leucine at codon 1168 is replaced by serine, an amino acid with dissimilar properties. This amino acid position is conserved. In addition, this alteration is predicted to be deleterious by in silico analysis. Since supporting evidence is limited at this time, the clinical significance of this alteration remains unclear.

Labcorp Genetics (formerly Invitae), Labcorp
Classification: Uncertain significance for Colorectal cancer, hereditary nonpolyposis, type 7. Last evaluated: 2022-02-23. Review status: criteria provided, single submitter. Criteria: Invitae Variant Classification Sherloc (09022015). Collection method: clinical testing. Allele origin: germline.
Comment: In summary, the available evidence is currently insufficient to determine the role of this variant in disease. Therefore, it has been classified as a Variant of Uncertain Significance. Algorithms developed to predict the effect of missense changes on protein structure and function are either unavailable or do not agree on the potential impact of this missense change (SIFT: "Deleterious"; PolyPhen-2: "Probably Damaging"; Align-GVGD: "Class C0"). This variant has not been reported in the literature in individuals affected with MLH3-related conditions. This sequence change replaces leucine, which is neutral and non-polar, with serine, which is neutral and polar, at codon 1168 of the MLH3 protein (p.Leu1168Ser). This variant is not present in population databases (gnomAD no frequency).

NM_001040108.2(MLH3):c.3503T>C (p.Leu1168Ser)

Gene: MLH3 (mutL homolog 3; minus strand). Cytogenetic location: 14q24.3.
Variant type: single nucleotide variant.
Coding change: c.3503T>C on transcript NM_001040108.2 (MANE Select); coding-DNA position 3503, T replaced by C.
Protein change: p.Leu1168Ser; replaces leucine 1168 with serine.
Molecular consequence: missense variant.
Genome position (GRCh38, 1-based): chr14:75,039,978, A>G on the plus strand (T>C on the coding strand, the complement: MLH3 is on the minus strand). VCF-style: chr14-75039978-A-G. GRCh37 (hg19) VCF-style: chr14-75506681-A-G.
Other names: c.3503T>C, p.Leu1168Ser (NM_014381.3); short protein forms L1168S.
Identifiers: ClinVar variation 2102744 (VCV002102744.6), dbSNP rs2503196056, ClinGen allele CA390428891.